The following is an entry in ClinVar:

NM_004525.3(LRP2):c.3679C>T (p.Pro1227Ser)

Gene: LRP2 (LDL receptor related protein 2; minus strand). Cytogenetic location: 2q31.1.
Variant type: single nucleotide variant.
Coding change: c.3679C>T on transcript NM_004525.3 (MANE Select); coding-DNA position 3679, C replaced by T.
Protein change: p.Pro1227Ser; replaces proline 1227 with serine.
Molecular consequence: missense variant.
Genome position (GRCh38, 1-based): chr2:169,241,354, G>A on the plus strand (C>T on the coding strand, the complement: LRP2 is on the minus strand). VCF-style: chr2-169241354-G-A. GRCh37 (hg19) VCF-style: chr2-170097864-G-A.
Other names: c.3679C>T (NM_004525.2); short protein forms P1227S.
Identifiers: ClinVar variation 1446838 (VCV001446838.6), dbSNP rs751177374, ClinGen allele CA1954956.

ClinVar aggregate classification (germline): Uncertain significance. Review status: criteria provided, multiple submitters, no conflicts (2 of 4 stars). 2 submissions from 2 submitters: Uncertain significance (2). Last evaluated 2024-12-05.

Conditions:
Inborn genetic diseases. Identifiers: MedGen C0950123, MeSH D030342.

Allele frequency attached by ClinVar (database versions not stated): TOPMed below 0.00001; ExAC 0.00001; gnomAD exomes 0.00001.
gnomAD v4.1: 4 of 1,614,170 alleles (0.00025%); highest among the groups gnomAD compares: South Asian, 0.0022%; no homozygotes.

Submissions (2):

Ambry Genetics
Classification: Uncertain significance for Inborn genetic diseases. Last evaluated: 2024-12-05. Review status: criteria provided, single submitter. Criteria: Ambry Variant Classification Scheme 2023. Collection method: clinical testing. Allele origin: germline.

Labcorp Genetics (formerly Invitae), Labcorp
Classification: Uncertain significance. Last evaluated: 2022-03-10. Review status: criteria provided, single submitter. Criteria: Invitae Variant Classification Sherloc (09022015). Collection method: clinical testing. Allele origin: germline.
Comment: This sequence change replaces proline, which is neutral and non-polar, with serine, which is neutral and polar, at codon 1227 of the LRP2 protein (p.Pro1227Ser). This variant is present in population databases (rs751177374, gnomAD 0.01%). This variant has not been reported in the literature in individuals affected with LRP2-related conditions. Algorithms developed to predict the effect of missense changes on protein structure and function output the following: SIFT: "Deleterious"; PolyPhen-2: "Benign"; Align-GVGD: "Class C0". The serine amino acid residue is found in multiple mammalian species, which suggests that this missense change does not adversely affect protein function. In summary, the available evidence is currently insufficient to determine the role of this variant in disease. Therefore, it has been classified as a Variant of Uncertain Significance.